The following is an entry in ClinVar:

NM_017763.6(RNF43):c.1335A>G (p.Gly445=)

Gene: RNF43 (ring finger protein 43; minus strand). Cytogenetic location: 17q22.
Variant type: single nucleotide variant.
Coding change: c.1335A>G on transcript NM_017763.6 (MANE Select); coding-DNA position 1335, A replaced by G.
Protein change: p.Gly445=; no amino-acid change (glycine 445 retained).
Molecular consequence: synonymous variant.
Genome position (GRCh38, 1-based): chr17:58,358,441, T>C on the plus strand (A>G on the coding strand, the complement: RNF43 is on the minus strand). VCF-style: chr17-58358441-T-C. GRCh37 (hg19) VCF-style: chr17-56435802-T-C.
Other names: c.1335A>G, p.Gly445= (NM_001305544.3, NM_001438820.1, NM_001438821.1 and 1 more transcripts); c.954A>G, p.Gly318= (NM_001305545.2, NM_001437987.1).
Identifiers: ClinVar variation 5042398 (VCV005042398.1).

ClinVar aggregate classification (germline): Benign (1 of 4 stars; one submission).

Conditions:
Sessile serrated polyposis cancer syndrome (SSPCS). Identifiers: Orphanet 157798, MedGen C4310714, MONDO:0014919, OMIM 617108.

Submission:

Myriad Genetics, Inc.
Classification: Benign for Sessile serrated polyposis cancer syndrome. Last evaluated: 2026-07-01. Review status: criteria provided, single submitter. Criteria: Myriad Autosomal Dominant, Autosomal Recessive and X-Linked Classification Criteria (2023). Collection method: clinical testing. Allele origin: unknown.
Comment: This variant is considered benign. This variant is a silent/synonymous amino acid change and it is not expected to impact splicing.